The following is an entry in ClinVar:

ClinVar aggregate classification (germline): Uncertain significance (1 of 4 stars; one submission).

Conditions:
Familial cancer of breast. Also called: Hereditary breast cancer; BREAST CANCER, FAMILIAL; hereditary breast carcinoma. Identifiers: Orphanet 227535, MedGen C0346153, MONDO:0016419, OMIM 114480. Disease mechanism: loss of function.
Fanconi anemia complementation group J. Also called: BRIP1-Related Fanconi Anemia. Identifiers: Orphanet 84, MedGen C1836860, MONDO:0012187, OMIM 609054.

Submission:

Labcorp Genetics (formerly Invitae), Labcorp
Classification: Uncertain significance for Familial cancer of breast; Fanconi anemia complementation group J. Last evaluated: 2024-04-03. Review status: criteria provided, single submitter. Criteria: Invitae Variant Classification Sherloc (09022015). Collection method: clinical testing. Allele origin: germline.
Comment: This sequence change replaces alanine, which is neutral and non-polar, with threonine, which is neutral and polar, at codon 637 of the BRIP1 protein (p.Ala637Thr). This variant is not present in population databases (gnomAD no frequency). This variant has not been reported in the literature in individuals affected with BRIP1-related conditions. Advanced modeling of protein sequence and biophysical properties (such as structural, functional, and spatial information, amino acid conservation, physicochemical variation, residue mobility, and thermodynamic stability) performed at Invitae indicates that this missense variant is expected to disrupt BRIP1 protein function with a positive predictive value of 80%. In summary, the available evidence is currently insufficient to determine the role of this variant in disease. Therefore, it has been classified as a Variant of Uncertain Significance.

NM_032043.3(BRIP1):c.1909G>A (p.Ala637Thr)

Gene: BRIP1 (BRCA1 interacting DNA helicase 1; minus strand). Cytogenetic location: 17q23.2.
Variant type: single nucleotide variant.
Coding change: c.1909G>A on transcript NM_032043.3 (MANE Select); coding-DNA position 1909, G replaced by A.
Protein change: p.Ala637Thr; replaces alanine 637 with threonine.
Molecular consequence: missense variant.
Genome position (GRCh38, 1-based): chr17:61,780,287, C>T on the plus strand (G>A on the coding strand, the complement: BRIP1 is on the minus strand). VCF-style: chr17-61780287-C-T. GRCh37 (hg19) VCF-style: chr17-59857648-C-T.
Other names: short protein forms A637T.
Identifiers: ClinVar variation 3750760 (VCV003750760.2).